The following is an entry in ClinVar:

NM_053025.4(MYLK):c.3001G>A (p.Glu1001Lys)

Gene: MYLK (myosin light chain kinase; minus strand). Cytogenetic location: 3q21.1.
Variant type: single nucleotide variant.
Coding change: c.3001G>A on transcript NM_053025.4 (MANE Select); coding-DNA position 3001, G replaced by A.
Protein change: p.Glu1001Lys; replaces glutamic acid 1001 with lysine.
Molecular consequence: missense variant.
Genome position (GRCh38, 1-based): chr3:123,700,467, C>T on the plus strand (G>A on the coding strand, the complement: MYLK is on the minus strand). VCF-style: chr3-123700467-C-T. GRCh37 (hg19) VCF-style: chr3-123419314-C-T.
Other names: c.2473G>A, p.Glu825Lys (NM_001321309.2); c.2794G>A, p.Glu932Lys (NM_053026.4, NM_053028.4); c.3001G>A, p.Glu1001Lys (NM_053027.4); c.3001G>A (NM_053025.3); short protein forms E1001K, E825K, E932K.
Identifiers: ClinVar variation 3670381 (VCV003670381.5).
Genomic context (GRCh38, chr3:123,700,467, plus strand): 5'-CTGAAGGCTGTGCATTGCTCAGGGGCTTGGAACTCTCCACTGCCTTGGCATTCAGGGTCT[C>T]GGCACTGCTGCTGCCATTCTCTGCTGGTAATTTCTTCTTGCCACCCAGCACTGAGCGAAA-3'
Protein context (NP_444253.3, residues 991-1011): LPAENGSSSA[Glu1001Lys]TLNAKAVESS

ClinVar aggregate classification (germline): Uncertain significance. Review status: criteria provided, multiple submitters, no conflicts (2 of 4 stars). 4 submissions from 4 submitters: Uncertain significance (4). Last evaluated 2025-02-18.

Conditions:
Megacystis-microcolon-intestinal hypoperistalsis syndrome 1. Identifiers: MedGen C5542316, MONDO:0100354, OMIM 249210.
Aortic aneurysm, familial thoracic 7 (AAT7). Also called: AORTIC DISSECTION, FAMILIAL, WITH OR WITHOUT AORTIC ANEURYSM. Identifiers: MedGen C3151077, MONDO:0013418, OMIM 613780.
Familial thoracic aortic aneurysm and aortic dissection (TAAD). Also called: Thoracic aortic aneurysms and dissections. Identifiers: Orphanet 91387, MedGen C4707243, MONDO:0019625.
MYLK-related disorder. Also called: MYLK-related condition.

gnomAD v4.1: 21 of 1,608,118 alleles (0.0013%); highest among the groups gnomAD compares: Middle Eastern, 0.017%; no homozygotes.

Submissions (4):

Ambry Genetics
Classification: Uncertain significance for Familial thoracic aortic aneurysm and aortic dissection. Last evaluated: 2025-02-18. Review status: criteria provided, single submitter. Criteria: Ambry Variant Classification Scheme 2023. Collection method: clinical testing. Allele origin: germline.

PreventionGenetics, part of Exact Sciences
Classification: Uncertain significance for MYLK-related condition. Last evaluated: 2024-12-05. Review status: criteria provided, single submitter. Criteria: ACMG Guidelines, 2015. Collection method: clinical testing. Allele origin: germline.
Comment: The MYLK c.3001G>A variant is predicted to result in the amino acid substitution p.Glu1001Lys. To our knowledge, this variant has not been reported in the literature. This variant is reported in 0.0087% of alleles in individuals of Latino descent in gnomAD. At this time, the clinical significance of this variant is uncertain due to the absence of conclusive functional and genetic evidence.

Labcorp Genetics (formerly Invitae), Labcorp
Classification: Uncertain significance for Aortic aneurysm, familial thoracic 7. Last evaluated: 2024-02-12. Review status: criteria provided, single submitter. Criteria: Invitae Variant Classification Sherloc (09022015). Collection method: clinical testing. Allele origin: germline.
Comment: This sequence change replaces glutamic acid, which is acidic and polar, with lysine, which is basic and polar, at codon 1001 of the MYLK protein (p.Glu1001Lys). This variant is present in population databases (rs775627574, gnomAD 0.009%). This variant has not been reported in the literature in individuals affected with MYLK-related conditions. Advanced modeling of protein sequence and biophysical properties (such as structural, functional, and spatial information, amino acid conservation, physicochemical variation, residue mobility, and thermodynamic stability) performed at Invitae indicates that this missense variant is not expected to disrupt MYLK protein function with a negative predictive value of 80%. In summary, the available evidence is currently insufficient to determine the role of this variant in disease. Therefore, it has been classified as a Variant of Uncertain Significance.

Juno Genomics, Hangzhou Juno Genomics, Inc
Classification: Uncertain significance for Aortic aneurysm, familial thoracic 7; Megacystis-microcolon-intestinal hypoperistalsis syndrome 1. Review status: criteria provided, single submitter. Criteria: ACMG Guidelines, 2015. Collection method: clinical testing. Allele origin: germline.
Comment: Absent from controls (or at extremely low frequency if recessive) in Genome Aggregation Database.;Missense variant in a gene that has a low rate of benign missense variation.;Multiple lines of computational evidence suggest no impact on gene or gene product.